The following is an entry in ClinVar:

ClinVar aggregate classification (germline): Uncertain significance (1 of 4 stars; one submission).

Conditions:
Inborn genetic diseases. Identifiers: MedGen C0950123, MeSH D030342.

Allele frequency attached by ClinVar (database versions not stated): gnomAD exomes below 0.00001.
gnomAD v4.1: 1 of 1,586,474 alleles (0.000063%); highest among the groups gnomAD compares: Non-Finnish European, 0.000086%; no homozygotes.

Submission:

Ambry Genetics
Classification: Uncertain significance for Inborn genetic diseases. Last evaluated: 2021-12-15. Review status: criteria provided, single submitter. Criteria: Ambry Variant Classification Scheme 2023. Collection method: clinical testing. Allele origin: germline.
Comment: The c.1046-3C>T intronic alteration consists of a C to T substitution 3 nucleotides before coding exon 11 in the WDR4 gene. Based on insufficient or conflicting evidence, the clinical significance of this alteration remains unclear.

NM_018669.6(WDR4):c.1046-3C>T

Gene: WDR4 (WDR4 tRNA N7-guanosine methyltransferase non-catalytic subunit; minus strand). Cytogenetic location: 21q22.3.
Variant type: single nucleotide variant.
Coding change: c.1046-3C>T on transcript NM_018669.6 (MANE Select); 3 bases into the intron before coding-DNA position 1046, C replaced by T.
Molecular consequence: intron variant.
Genome position (GRCh38, 1-based): chr21:42,850,245, G>A on the plus strand (C>T on the coding strand, the complement: WDR4 is on the minus strand). VCF-style: chr21-42850245-G-A. GRCh37 (hg19) VCF-style: chr21-44270355-G-A.
Other names: c.1046-3C>T (NM_033661.5); c.608-3C>T (NM_001260476.2, NM_001260475.2, NM_001260477.2); c.1043-3C>T (NM_001260474.2).
Identifiers: ClinVar variation 2255312 (VCV002255312.2), dbSNP rs1439060504, ClinGen allele CA2577614948.